The following is an entry in ClinVar:

NM_016156.6(MTMR2):c.432_434del (p.Gly145del)

Gene: MTMR2 (myotubularin related protein 2; minus strand). Cytogenetic location: 11q21.
Variant type: Deletion.
Coding change: c.432_434del on transcript NM_016156.6 (MANE Select); coding-DNA positions 432 to 434, 3 bases deleted (AGG; older notation c.432_434delAGG).
Protein change: p.Gly145del; deletes glycine 145.
Molecular consequence: inframe deletion.
Genome position (GRCh38, 1-based): chr11:95,862,026-95,862,028, CCT deleted on the plus strand (AGG on the coding strand, the reverse complement: MTMR2 is on the minus strand); deleting any 3 consecutive bases within chr11:95,862,026-95,862,029 gives the same sequence; the c. name uses the placement nearest the transcript's 3' end. VCF-style (leftmost placement, unchanged base first): chr11-95862025-ACCT-A. GRCh37 (hg19) VCF-style: chr11-95595189-ACCT-A.
Other names: c.216_218del, p.Gly73del (NM_001243571.2, NM_201278.3, NM_201281.3); short protein forms G145del, G73del.
Identifiers: ClinVar variation 957067 (VCV000957067.9), dbSNP rs1864437836, ClinGen allele CA1139662121.

ClinVar aggregate classification (germline): Uncertain significance (1 of 4 stars; one submission).

Conditions:
Charcot-Marie-Tooth disease type 4. Also called: Charcot-Marie-Tooth disease, type IV; Charcot-Marie-Tooth, Type 4. Identifiers: Orphanet 64749, MedGen C4082197, MONDO:0018995.

Submission:

Labcorp Genetics (formerly Invitae), Labcorp
Classification: Uncertain significance for Charcot-Marie-Tooth disease type 4. Last evaluated: 2019-07-22. Review status: criteria provided, single submitter. Criteria: Invitae Variant Classification Sherloc (09022015). Collection method: clinical testing. Allele origin: germline.
Comment: In summary, the available evidence is currently insufficient to determine the role of this variant in disease. Therefore, it has been classified as a Variant of Uncertain Significance. Experimental studies and prediction algorithms are not available or were not evaluated for this variant, and the functional significance of the affected amino acid(s) is currently unknown. This variant has not been reported in the literature in individuals with MTMR2-related conditions. This variant is not present in population databases (ExAC no frequency). This variant, c.432_434del, results in the deletion of 1 amino acid(s) of the MTMR2 protein (p.Gly145del), but otherwise preserves the integrity of the reading frame.